The following is an entry in ClinVar:

NM_198253.3(TERT):c.2465G>A (p.Gly822Asp)

Gene: TERT (telomerase reverse transcriptase; minus strand). Cytogenetic location: 5p15.33.
Variant type: single nucleotide variant.
Coding change: c.2465G>A on transcript NM_198253.3 (MANE Select); coding-DNA position 2465, G replaced by A.
Protein change: p.Gly822Asp; replaces glycine 822 with aspartic acid.
Molecular consequence: missense variant.
Genome position (GRCh38, 1-based): chr5:1,271,122, C>T on the plus strand (G>A on the coding strand, the complement: TERT is on the minus strand). VCF-style: chr5-1271122-C-T. GRCh37 (hg19) VCF-style: chr5-1271237-C-T.
Other names: c.2465G>A, p.Gly822Asp (NM_001193376.3); short protein forms G822D.
Identifiers: ClinVar variation 410691 (VCV000410691.14), dbSNP rs757820442, ClinGen allele CA3184512.

ClinVar aggregate classification (germline): Conflicting classifications of pathogenicity. Review status: criteria provided, conflicting classifications (1 of 4 stars). 3 submissions from 3 submitters: Uncertain significance (2); Likely benign (1). Last evaluated 2025-03-25.

Conditions:
Dyskeratosis congenita, autosomal dominant 2. Identifiers: MedGen C3151443, MONDO:0013521, OMIM 613989.
Idiopathic Pulmonary Fibrosis. Also called: Idiopathic fibrosing alveolitis, chronic form; idiopathic fibrosing alveolitis. Identifiers: Orphanet 2032, MedGen C1800706, MeSH D054990, MONDO:0800504.
Dyskeratosis congenita. Identifiers: Orphanet 1775, MedGen C0265965, MONDO:0015780.

Allele frequency attached by ClinVar (database versions not stated): gnomAD exomes below 0.00001 and 0.00001; gnomAD 0.00001; TOPMed 0.00001; ExAC 0.00003.
gnomAD v4.1: 9 of 1,612,700 alleles (0.00056%); highest among the groups gnomAD compares: Admixed American, 0.0033%; no homozygotes.

Submissions (3):

Labcorp Genetics (formerly Invitae), Labcorp
Classification: Likely benign for Dyskeratosis congenita, autosomal dominant 2; Idiopathic Pulmonary Fibrosis. Last evaluated: 2025-03-25. Review status: criteria provided, single submitter. Criteria: Invitae Variant Classification Sherloc (09022015). Collection method: clinical testing. Allele origin: germline.

Ambry Genetics
Classification: Uncertain significance for Dyskeratosis congenita. Last evaluated: 2025-01-27. Review status: criteria provided, single submitter. Criteria: Ambry Variant Classification Scheme 2023. Collection method: clinical testing. Allele origin: germline.
Comment: The p.G822D variant (also known as c.2465G>A), located in coding exon 8 of the TERT gene, results from a G to A substitution at nucleotide position 2465. The glycine at codon 822 is replaced by aspartic acid, an amino acid with similar properties. This amino acid position is conserved. In addition, this alteration is predicted to be tolerated by in silico analysis. Based on the available evidence, the clinical significance of this variant remains unclear.

Baylor Genetics
Classification: Uncertain significance for Dyskeratosis congenita, autosomal dominant 2. Last evaluated: 2023-12-08. Review status: criteria provided, single submitter. Criteria: ACMG Guidelines, 2015. Collection method: clinical testing. Allele origin: unknown.